The following is an entry in ClinVar:

NM_014953.5(DIS3):c.988-5C>T

Gene: DIS3 (DIS3 exosome endoribonuclease and 3''-5'' exoribonuclease; minus strand). Cytogenetic location: 13q21.33.
Variant type: single nucleotide variant.
Coding change: c.988-5C>T on transcript NM_014953.5 (MANE Select); 5 bases into the intron before coding-DNA position 988, C replaced by T.
Molecular consequence: intron variant.
Genome position (GRCh38, 1-based): chr13:72,774,064, G>A on the plus strand (C>T on the coding strand, the complement: DIS3 is on the minus strand). VCF-style: chr13-72774064-G-A. GRCh37 (hg19) VCF-style: chr13-73348202-G-A.
Other names: c.619-5C>T (NM_001322348.2); c.898-5C>T (NM_001128226.3); c.502-5C>T (NM_001322349.2).
Identifiers: ClinVar variation 4082417 (VCV004082417.2).

ClinVar aggregate classification (germline): Uncertain significance (1 of 4 stars; one submission).

gnomAD v4.1: 27 of 1,566,616 alleles (0.0017%); highest among the groups gnomAD compares: Non-Finnish European, 0.0022%; no homozygotes.

Submission:

Genetic Services Laboratory, University of Chicago
Classification: Uncertain significance. Last evaluated: 2023-08-24. Review status: criteria provided, single submitter. Criteria: ACMG Guidelines, 2015. Collection method: clinical testing. Allele origin: germline. Affected: no.
Comment: DNA sequence analysis of the DIS3 gene demonstrated a sequence change in intron 6, c.988-5C>T. This change does not appear to have been previously described in individuals with DIS3-related disorders. This sequence change has been described in the gnomAD database with a frequency of 0.002% in the European (Non-Finnish) subpopulation (dbSNP rs1427539630). In-silico splice prediction programs provide inconclusive results for this sequence change. It is possible that this sequence change represents a benign sequence change in DIS3 gene that has not been identified to date. The functional significance of this sequence change is not known at present and its contribution to this individual's disease phenotype cannot definitively be determined.